The following is an entry in ClinVar:

NM_033159.4(HYAL1):c.545G>A (p.Trp182Ter)

Gene: HYAL1 (hyaluronidase 1; minus strand). Cytogenetic location: 3p21.31.
Variant type: single nucleotide variant.
Coding change: c.545G>A on transcript NM_033159.4 (MANE Select); coding-DNA position 545, G replaced by A.
Protein change: p.Trp182Ter; replaces tryptophan 182 with a stop codon.
Molecular consequence: nonsense. On other transcripts: 5 prime UTR variant (1), non-coding transcript variant (1), intron variant (1).
Genome position (GRCh38, 1-based): chr3:50,302,412, C>T on the plus strand (G>A on the coding strand, the complement: HYAL1 is on the minus strand). VCF-style: chr3-50302412-C-T. GRCh37 (hg19) VCF-style: chr3-50339843-C-T.
Other names: c.545G>A, p.Trp182Ter (NM_007312.3, NM_153281.2, NM_153282.3); c.-2G>A (NM_153283.3); c.-26-207G>A (NM_153285.3); short protein forms W182*.
Identifiers: ClinVar variation 2817930 (VCV002817930.3), dbSNP rs1346505806, ClinGen allele CA352893689.

ClinVar aggregate classification (germline): Pathogenic (1 of 4 stars; one submission).

Conditions:
Deficiency of hyaluronoglucosaminidase (MPS9). Also called: Mucopolysaccharidosis type 9; MPS IX; HYALURONIDASE DEFICIENCY. Identifiers: Orphanet 67041, MedGen C1291490, MONDO:0011093, OMIM 601492.

Submission:

Labcorp Genetics (formerly Invitae), Labcorp
Classification: Pathogenic for Deficiency of hyaluronoglucosaminidase. Last evaluated: 2022-12-10. Review status: criteria provided, single submitter. Criteria: Invitae Variant Classification Sherloc (09022015). Collection method: clinical testing. Allele origin: germline.
Comment: For these reasons, this variant has been classified as Pathogenic. This variant has not been reported in the literature in individuals affected with HYAL1-related conditions. This variant is not present in population databases (gnomAD no frequency). This sequence change creates a premature translational stop signal (p.Trp182*) in the HYAL1 gene. It is expected to result in an absent or disrupted protein product. Loss-of-function variants in HYAL1 are known to be pathogenic (PMID: 10339581, 21559944).

Literature cited by the submitters: PubMed 10339581; PubMed 21559944.